The following is an entry in ClinVar:

NM_001166108.2(PALLD):c.1250C>G (p.Pro417Arg)

Gene: PALLD (palladin, cytoskeletal associated protein; plus strand). Cytogenetic location: 4q32.3.
Variant type: single nucleotide variant.
Coding change: c.1250C>G on transcript NM_001166108.2 (MANE Select); coding-DNA position 1250, C replaced by G.
Protein change: p.Pro417Arg; replaces proline 417 with arginine.
Molecular consequence: missense variant.
Genome position (GRCh38, 1-based): chr4:168,683,093, C>G. VCF-style: chr4-168683093-C-G. GRCh37 (hg19) VCF-style: chr4-169604244-C-G.
Other names: c.104C>G, p.Pro35Arg (NM_001166109.2); c.1250C>G, p.Pro417Arg (NM_016081.4); short protein forms P417R, P35R.
Identifiers: ClinVar variation 1760620 (VCV001760620.2), dbSNP rs1268326561, ClinGen allele CA358794343.

ClinVar aggregate classification (germline): Uncertain significance (1 of 4 stars; one submission).

Allele frequency attached by ClinVar (database versions not stated): gnomAD exomes below 0.00001; gnomAD 0.00001; TOPMed 0.00001.
gnomAD v4.1: 3 of 1,598,582 alleles (0.00019%); highest among the groups gnomAD compares: African/African-American, 0.0027%; no homozygotes.

Submission:

Ambry Genetics
Classification: Uncertain significance. Last evaluated: 2022-03-18. Review status: criteria provided, single submitter. Criteria: Ambry Variant Classification Scheme 2023. Collection method: clinical testing. Allele origin: germline.
Comment: The p.P417R variant (also known as c.1250C>G), located in coding exon 4 of the PALLD gene, results from a C to G substitution at nucleotide position 1250. The proline at codon 417 is replaced by arginine, an amino acid with dissimilar properties. This amino acid position is conserved. In addition, this alteration is predicted to be deleterious by in silico analysis. Since supporting evidence is limited at this time, the clinical significance of this alteration remains unclear.